The following is an entry in ClinVar:

NM_004168.4(SDHA):c.39T>C (p.Ala13=)

Gene: SDHA (succinate dehydrogenase complex flavoprotein subunit A; plus strand). Cytogenetic location: 5p15.33.
Variant type: single nucleotide variant.
Coding change: c.39T>C on transcript NM_004168.4 (MANE Select); coding-DNA position 39, T replaced by C.
Protein change: p.Ala13=; no amino-acid change (alanine 13 retained).
Molecular consequence: synonymous variant.
Genome position (GRCh38, 1-based): chr5:218,394, T>C. VCF-style: chr5-218394-T-C. GRCh37 (hg19) VCF-style: chr5-218509-T-C.
Other names: c.39T>C, p.Ala13= (NM_001294332.2, NM_001330758.2); c.39T>C (NM_004168.2).
Identifiers: ClinVar variation 1096358 (VCV001096358.12), dbSNP rs2126522607, ClinGen allele CA442689555.

ClinVar aggregate classification (germline): Benign/Likely benign. Review status: criteria provided, multiple submitters, no conflicts (2 of 4 stars). 3 submissions from 3 submitters: Benign (1); Likely benign (2). Last evaluated 2025-02-28.

Conditions:
Pheochromocytoma/paraganglioma syndrome 5. Also called: Paragangliomas 5; SDHA-Related Hereditary Paraganglioma-Pheochromocytoma Syndrome. Identifiers: Orphanet 29072, MedGen C3279992, MONDO:0013602, OMIM 614165.
Mitochondrial complex II deficiency, nuclear type 1. Also called: SUCCINATE CoQ REDUCTASE DEFICIENCY. Identifiers: Orphanet 3208, MedGen C5700310, MONDO:0100294, OMIM 252011.
Hereditary cancer-predisposing syndrome. Also called: Tumor predisposition; Neoplastic Syndromes, Hereditary; Hereditary Cancer Syndrome; Hereditary neoplastic syndrome. Identifiers: Orphanet 140162, MedGen C0027672, MeSH D009386, MONDO:0015356.

Submissions (3):

Myriad Genetics, Inc.
Classification: Benign for Pheochromocytoma/paraganglioma syndrome 5. Last evaluated: 2025-02-28. Review status: criteria provided, single submitter. Criteria: Myriad Autosomal Dominant, Autosomal Recessive and X-Linked Classification Criteria (2023). Collection method: clinical testing. Allele origin: unknown.
Comment: This variant is considered benign. This variant is a silent/synonymous amino acid change and it is not expected to impact splicing.

Labcorp Genetics (formerly Invitae), Labcorp
Classification: Likely benign for Pheochromocytoma/paraganglioma syndrome 5; Mitochondrial complex II deficiency, nuclear type 1. Last evaluated: 2023-12-01. Review status: criteria provided, single submitter. Criteria: Invitae Variant Classification Sherloc (09022015). Collection method: clinical testing. Allele origin: germline.

Ambry Genetics
Classification: Likely benign for Hereditary cancer-predisposing syndrome. Last evaluated: 2023-06-01. Review status: criteria provided, single submitter. Criteria: Ambry Variant Classification Scheme 2023. Collection method: clinical testing. Allele origin: germline.